The following is an entry in ClinVar:

NM_021101.5(CLDN1):c.304A>C (p.Met102Leu)

Genes: CLDN1 (claudin 1; minus strand), CLDN16 (claudin 16; plus strand). Cytogenetic location: 3q28.
Variant type: single nucleotide variant.
Coding change: c.304A>C on transcript NM_021101.5 (MANE Select); coding-DNA position 304, A replaced by C.
Protein change: p.Met102Leu; replaces methionine 102 with leucine.
Molecular consequence: missense variant. On other transcripts: intron variant (2).
Genome position (GRCh38, 1-based): chr3:190,312,956, T>G on the plus strand (A>C on the coding strand, the complement: CLDN1 is on the minus strand). VCF-style: chr3-190312956-T-G. GRCh37 (hg19) VCF-style: chr3-190030745-T-G.
Other names: c.-445-1937T>G (NM_001378492.1); c.-279+22365T>G (NM_001378493.1); short protein forms M102L.
Identifiers: ClinVar variation 3054812 (VCV003054812.2), dbSNP rs1168177985, ClinGen allele CA355756516.

ClinVar aggregate classification (germline): Uncertain significance (0 of 4 stars; one submission).

Conditions:
CLDN1-related disorder. Also called: CLDN1-related condition.

gnomAD v4.1: 5 of 1,614,216 alleles (0.00031%); highest among the groups gnomAD compares: Non-Finnish European, 0.00025%; no homozygotes.

Submission:

PreventionGenetics, part of Exact Sciences
Classification: Uncertain significance for CLDN1-related condition. Last evaluated: 2024-01-03. Review status: no assertion criteria provided. Collection method: clinical testing. Allele origin: germline.
Comment: The CLDN1 c.304A>C variant is predicted to result in the amino acid substitution p.Met102Leu. To our knowledge, this variant has not been reported in the literature or in a large population database, indicating this variant is rare. At this time, the clinical significance of this variant is uncertain due to the absence of conclusive functional and genetic evidence.